The following is an entry in ClinVar:

ClinVar aggregate classification (germline): Pathogenic. Review status: reviewed by expert panel (3 of 4 stars). 2 submissions from 2 submitters: Pathogenic (1). 1 of the submissions does not count toward it. Last evaluated 2017-12-15.

Conditions:
Hereditary breast ovarian cancer syndrome. Also called: Hereditary breast and ovarian cancer syndrome (HBOC); BRCA1- and BRCA2-Associated Hereditary Breast and Ovarian Cancer; Hereditary breast and/or ovarian cancer syndrome; Hereditary breast and ovarian cancer syndrome; Hereditary breast and ovarian cancer; Breast and ovarian cancer. Identifiers: Orphanet 145, MedGen C0677776, MeSH D061325, MONDO:0003582. Disease mechanism: loss of function.
Breast-ovarian cancer, familial, susceptibility to, 1 (BROVCA1). Also called: BRCA1 Hereditary Breast and Ovarian Cancer; OVARIAN CANCER, SUSCEPTIBILITY TO. Identifiers: Orphanet 145, MedGen C2676676, MONDO:0011450, OMIM 604370. Disease mechanism: loss of function.

Submissions (2):

Evidence-based Network for the Interpretation of Germline Mutant Alleles (ENIGMA)
Classification: Pathogenic for Breast-ovarian cancer, familial, susceptibility to, 1. Last evaluated: 2017-12-15. Review status: reviewed by expert panel. Criteria: ENIGMA BRCA1/2 Classification Criteria (2017-06-29). Collection method: curation. Allele origin: germline. Study: ENIGMA.
Comment: Variant allele predicted to encode a truncated non-functional protein.

Research Molecular Genetics Laboratory, Women's College Hospital, University of Toronto
Classification: Pathogenic for Hereditary breast ovarian cancer syndrome. Last evaluated: 2014-01-31. Review status: no assertion criteria provided. Collection method: research. Allele origin: germline. Affected: yes. Study: The Canadian Open Genetics Repository (COGR). Not counted in ClinVar's aggregate classification.

NM_007294.4(BRCA1):c.3637G>T (p.Glu1213Ter)

Genes: BRCA1 (BRCA1 DNA repair associated; minus strand), LOC126862571 (BRD4-independent group 4 enhancer GRCh37_chr17:41243136-41244335; plus strand). Cytogenetic location: 17q21.31.
Variant type: single nucleotide variant.
Coding change: c.3637G>T on transcript NM_007294.4 (MANE Select); coding-DNA position 3637, G replaced by T.
Protein change: p.Glu1213Ter; replaces glutamic acid 1213 with a stop codon.
Molecular consequence: nonsense. On other transcripts: intron variant (135).
Genome position (GRCh38, 1-based): chr17:43,091,894, C>A on the plus strand (G>T on the coding strand, the complement: BRCA1 is on the minus strand). VCF-style: chr17-43091894-C-A. GRCh37 (hg19) VCF-style: chr17-41243911-C-A.
Other names: c.3424G>T, p.Glu1142Ter (NM_001407571.1, NM_001407853.1, NM_001407894.1 and 9 more transcripts); c.3637G>T, p.Glu1213Ter (NM_001407581.1, NM_001407582.1, NM_001407583.1 and 30 more transcripts); c.3634G>T, p.Glu1212Ter (NM_001407587.1, NM_001407590.1, NM_001407591.1 and 22 more transcripts); c.3628G>T, p.Glu1210Ter (NM_001407646.1, NM_001407647.1); c.3514G>T, p.Glu1172Ter (NM_001407648.1, NM_001407664.1, NM_001407665.1 and 19 more transcripts); c.3511G>T, p.Glu1171Ter (NM_001407649.1, NM_001407670.1, NM_001407671.1 and 11 more transcripts); c.3559G>T, p.Glu1187Ter (NM_001407653.1, NM_001407654.1, NM_001407655.1 and 4 more transcripts); c.3556G>T, p.Glu1186Ter (NM_001407659.1, NM_001407660.1, NM_001407661.1 and 1 more transcripts); and 41 more; short protein forms E1213*, E1166*, E1045*, E1101*, E1143*, E1165*, E1171*, E1187*.
Identifiers: ClinVar variation 431248 (VCV000431248.3), dbSNP rs1135401864, ClinGen allele CA10594694.